The following is an entry in ClinVar:

NM_001330078.2(NRXN1):c.2498-3T>G

Gene: NRXN1 (neurexin 1; minus strand). Cytogenetic location: 2p16.3.
Variant type: single nucleotide variant.
Coding change: c.2498-3T>G on transcript NM_001330078.2 (MANE Select); 3 bases into the intron before coding-DNA position 2498, T replaced by G.
Molecular consequence: intron variant.
Genome position (GRCh38, 1-based): chr2:50,497,717, A>C on the plus strand (T>G on the coding strand, the complement: NRXN1 is on the minus strand). VCF-style: chr2-50497717-A-C. GRCh37 (hg19) VCF-style: chr2-50724855-A-C.
Other names: c.2387-3T>G (NM_001330096.2, NM_001330087.2); c.2432-3T>G (NM_001330083.2, NM_001330084.2); c.2417-3T>G (NM_001330088.2); c.2495-3T>G (NM_001330093.2); c.2486-3T>G (NM_001330094.2); c.2447-3T>G (NM_001330095.2); c.2474-3T>G (NM_001330082.2, NM_001330077.2); c.2471-3T>G (NM_001330085.2); and 2 more.
Identifiers: ClinVar variation 2837562 (VCV002837562.3), dbSNP rs2468917335, ClinGen allele CA2739274430.

ClinVar aggregate classification (germline): Uncertain significance (1 of 4 stars; one submission).

Conditions:
Pitt-Hopkins-like syndrome 2 (PTHSL2). Identifiers: Orphanet 221150, Orphanet 600663, MedGen C3280479, MONDO:0013690, OMIM 614325.

Submission:

Labcorp Genetics (formerly Invitae), Labcorp
Classification: Uncertain significance for Pitt-Hopkins-like syndrome 2. Last evaluated: 2023-02-14. Review status: criteria provided, single submitter. Criteria: Invitae Variant Classification Sherloc (09022015). Collection method: clinical testing. Allele origin: germline.
Comment: This variant has not been reported in the literature in individuals affected with NRXN1-related conditions. This sequence change falls in intron 14 of the NRXN1 gene. It does not directly change the encoded amino acid sequence of the NRXN1 protein. It affects a nucleotide within the consensus splice site. This variant is not present in population databases (gnomAD no frequency). Variants that disrupt the consensus splice site are a relatively common cause of aberrant splicing (PMID: 17576681, 9536098). Algorithms developed to predict the effect of sequence changes on RNA splicing suggest that this variant may disrupt the consensus splice site. In summary, the available evidence is currently insufficient to determine the role of this variant in disease. Therefore, it has been classified as a Variant of Uncertain Significance.

Literature cited by the submitters: PubMed 17576681; PubMed 9536098.